The following is an entry in ClinVar:

ClinVar aggregate classification (germline): Uncertain significance. Review status: criteria provided, multiple submitters, no conflicts (2 of 4 stars). 2 submissions from 2 submitters: Uncertain significance (2). Last evaluated 2021-09-01.

Conditions:
Inborn genetic diseases. Identifiers: MedGen C0950123, MeSH D030342.
Epidermolysis bullosa simplex 3, localized or generalized intermediate, with BP230 deficiency (EBS3). Also called: Epidermolysis bullosa simplex due to BP230 deficiency; Epidermolysis bullosa simplex, autosomal recessive 2. Identifiers: Orphanet 412181, MedGen C3809470, MONDO:0014180, OMIM 615425.
Hereditary sensory and autonomic neuropathy type 6. Also called: Neuropathy, hereditary sensory and autonomic, type VI; HSAN VI. Identifiers: Orphanet 314381, MedGen C3539003, MONDO:0013839, OMIM 614653.

Allele frequency attached by ClinVar (database versions not stated): gnomAD exomes 0.00002 and 0.00007; ExAC 0.00007; TOPMed 0.00020; gnomAD 0.00023; ESP Exome Variant Server 0.00041; 1000 Genomes Project 30x 0.00047; 1000 Genomes Project 0.00060.
gnomAD v4.1: 62 of 1,614,046 alleles (0.0038%); highest among the groups gnomAD compares: African/African-American, 0.075%; no homozygotes.

Submissions (2):

Labcorp Genetics (formerly Invitae), Labcorp
Classification: Uncertain significance for Epidermolysis bullosa simplex 3, localized or generalized intermediate, with BP230 deficiency; Hereditary sensory and autonomic neuropathy type 6. Last evaluated: 2021-09-01. Review status: criteria provided, single submitter. Criteria: Invitae Variant Classification Sherloc (09022015). Collection method: clinical testing. Allele origin: germline.

Ambry Genetics
Classification: Uncertain significance for Inborn genetic diseases. Last evaluated: 2019-09-26. Review status: criteria provided, single submitter. Criteria: Ambry Variant Classification Scheme 2023. Collection method: clinical testing. Allele origin: germline.
Comment: The p.M3329V variant (also known as c.9985A>G), located in coding exon 55 of the DST gene, results from an A to G substitution at nucleotide position 9985. The methionine at codon 3329 is replaced by valine, an amino acid with highly similar properties. This amino acid position is not well conserved in available vertebrate species. In addition, this alteration is predicted to be tolerated by in silico analysis. Since supporting evidence is limited at this time, the clinical significance of this alteration remains unclear.

NM_001374736.1(DST):c.16342A>G (p.Met5448Val)

Gene: DST (dystonin; minus strand). Cytogenetic location: 6p12.1.
Variant type: single nucleotide variant.
Coding change: c.16342A>G on transcript NM_001374736.1 (MANE Select); coding-DNA position 16342, A replaced by G.
Protein change: p.Met5448Val; replaces methionine 5448 with valine.
Molecular consequence: missense variant.
Genome position (GRCh38, 1-based): chr6:56,552,450, T>C on the plus strand (A>G on the coding strand, the complement: DST is on the minus strand). VCF-style: chr6-56552450-T-C. GRCh37 (hg19) VCF-style: chr6-56417248-T-C.
Other names: c.9985A>G, p.Met3329Val (NM_001144769.5); c.9571A>G, p.Met3191Val (NM_001144770.2); c.16342A>G, p.Met5448Val (NM_001374722.1); c.15709A>G, p.Met5237Val (NM_001374729.1); c.9451A>G, p.Met3151Val (NM_001374730.1, NM_183380.4); c.16369A>G, p.Met5457Val (NM_001374734.1); c.8473A>G, p.Met2825Val (NM_015548.5); short protein forms M2825V, M3151V, M3191V, M3329V, M5237V, M5448V, M5457V.
Identifiers: ClinVar variation 972213 (VCV000972213.7), dbSNP rs202185251, ClinGen allele CA3867691.
Genomic context (GRCh38, chr6:56,552,450, plus strand): 5'-CCTCCAAGTCCCTTTTGATTCCAACAAGGTCAGGAGAGGTTTCTTCTGTGGCTAACATCA[T>C]CTTGCAGGTTTTATTGGCATTGTCATTGCTTGCCATGAGGGCTTCTAGTTTCTTTAGAAA-3'
Protein context (NP_001361665.1, residues 5438-5458): SNDNANKTCK[Met5448Val]MLATEETSPD